The following is an entry in ClinVar:

NM_000059.4(BRCA2):c.5167A>C (p.Thr1723Pro)

Gene: BRCA2 (BRCA2 DNA repair associated; plus strand). Cytogenetic location: 13q13.1.
Variant type: single nucleotide variant.
Coding change: c.5167A>C on transcript NM_000059.4 (MANE Select); coding-DNA position 5167, A replaced by C.
Protein change: p.Thr1723Pro; replaces threonine 1723 with proline.
Molecular consequence: missense variant.
Genome position (GRCh38, 1-based): chr13:32,339,522, A>C. VCF-style: chr13-32339522-A-C. GRCh37 (hg19) VCF-style: chr13-32913659-A-C.
Other names: short protein forms T1723P.
Identifiers: ClinVar variation 51793 (VCV000051793.8), dbSNP rs80358742, ClinGen allele CA021512.

ClinVar aggregate classification (germline): Conflicting classifications of pathogenicity. Review status: criteria provided, conflicting classifications (1 of 4 stars). 4 submissions from 4 submitters: Uncertain significance (1); Likely benign (2). 1 of the submissions does not count toward it. Last evaluated 2024-05-16.

Conditions:
Hereditary breast ovarian cancer syndrome. Also called: Hereditary breast and ovarian cancer syndrome; Hereditary breast and ovarian cancer; Hereditary breast and ovarian cancer syndrome (HBOC); Breast and ovarian cancer; Hereditary breast and/or ovarian cancer syndrome; BRCA1- and BRCA2-Associated Hereditary Breast and Ovarian Cancer. Identifiers: Orphanet 145, MedGen C0677776, MeSH D061325, MONDO:0003582. Disease mechanism: loss of function.
Hereditary cancer-predisposing syndrome. Also called: Neoplastic Syndromes, Hereditary; Tumor predisposition; Hereditary neoplastic syndrome; Hereditary Cancer Syndrome. Identifiers: Orphanet 140162, MedGen C0027672, MeSH D009386, MONDO:0015356.
Breast-ovarian cancer, familial, susceptibility to, 2 (BROVCA2). Also called: BRCA2 Hereditary Breast and Ovarian Cancer. Identifiers: Orphanet 145, MedGen C2675520, MONDO:0012933, OMIM 612555. Disease mechanism: loss of function.

Submissions (4):

Ambry Genetics
Classification: Likely benign for Hereditary cancer-predisposing syndrome. Last evaluated: 2024-05-16. Review status: criteria provided, single submitter. Criteria: Ambry Variant Classification Scheme 2023. Collection method: clinical testing. Allele origin: germline.

University of Washington Department of Laboratory Medicine, University of Washington
Classification: Likely benign for Hereditary cancer-predisposing syndrome. Last evaluated: 2023-03-23. Review status: criteria provided, single submitter. Criteria: Dines et al. (Genet Med. 2020). Collection method: curation. Allele origin: germline.
Comment: Missense variant in a coldspot region where missense variants are very unlikely to be pathogenic (PMID:31911673).

BRCA2 exon 11 coldspot. Reclassification based on statistical prior probability.

Labcorp Genetics (formerly Invitae), Labcorp
Classification: Uncertain significance for Hereditary breast ovarian cancer syndrome. Last evaluated: 2022-06-28. Review status: criteria provided, single submitter. Criteria: Invitae Variant Classification Sherloc (09022015). Collection method: clinical testing. Allele origin: germline.
Comment: This sequence change replaces threonine, which is neutral and polar, with proline, which is neutral and non-polar, at codon 1723 of the BRCA2 protein (p.Thr1723Pro). This variant is not present in population databases (gnomAD no frequency). This missense change has been observed in individual(s) with breast cancer as well as healthy controls (PMID: 28222693). ClinVar contains an entry for this variant (Variation ID: 51793). Advanced modeling of protein sequence and biophysical properties (such as structural, functional, and spatial information, amino acid conservation, physicochemical variation, residue mobility, and thermodynamic stability) performed at Invitae indicates that this missense variant is not expected to disrupt BRCA2 protein function. In summary, the available evidence is currently insufficient to determine the role of this variant in disease. Therefore, it has been classified as a Variant of Uncertain Significance.

Breast Cancer Information Core (BIC) (BRCA2)
Classification: Uncertain significance for Breast-ovarian cancer, familial 2. Last evaluated: 2010-09-18. Review status: no assertion criteria provided. Collection method: clinical testing. Allele origin: germline. Affected: yes. Observed: 1 variant allele. Not counted in ClinVar's aggregate classification.

Literature cited by the submitters: PubMed 18431501 (cited by Ambry Genetics); PubMed 28222693 (cited by Labcorp Genetics (formerly Invitae), Labcorp).